The following is an entry in ClinVar:

ClinVar aggregate classification (germline): Uncertain significance (1 of 4 stars; one submission).

Conditions:
Inborn genetic diseases. Identifiers: MedGen C0950123, MeSH D030342.

Submission:

Ambry Genetics
Classification: Uncertain significance for Inborn genetic diseases. Last evaluated: 2026-02-16. Review status: criteria provided, single submitter. Criteria: Ambry Variant Classification Scheme 2023. Collection method: clinical testing. Allele origin: germline.
Comment: The p.K1477E variant (also known as c.4429A>G), located in coding exon 13 of the ASXL1 gene, results from an A to G substitution at nucleotide position 4429. The lysine at codon 1477 is replaced by glutamic acid, an amino acid with similar properties. This amino acid position is conserved. In addition, this alteration is predicted to be tolerated by in silico analysis. Based on the available evidence, the clinical significance of this variant remains unclear.

NM_015338.6(ASXL1):c.4429A>G (p.Lys1477Glu)

Gene: ASXL1 (ASXL transcriptional regulator 1; plus strand). Cytogenetic location: 20q11.21.
Variant type: single nucleotide variant.
Coding change: c.4429A>G on transcript NM_015338.6 (MANE Select); coding-DNA position 4429, A replaced by G.
Protein change: p.Lys1477Glu; replaces lysine 1477 with glutamic acid.
Molecular consequence: missense variant.
Genome position (GRCh38, 1-based): chr20:32,437,141, A>G. VCF-style: chr20-32437141-A-G. GRCh37 (hg19) VCF-style: chr20-31024944-A-G.
Other names: c.4246A>G, p.Lys1416Glu (NM_001363734.1); short protein forms K1416E, K1477E.
Identifiers: ClinVar variation 4825235 (VCV004825235.1).